The following is an entry in ClinVar:

NM_001048174.2(MUTYH):c.966C>G (p.Asp322Glu)

Gene: MUTYH (mutY DNA glycosylase; minus strand). Cytogenetic location: 1p34.1.
Variant type: single nucleotide variant.
Coding change: c.966C>G on transcript NM_001048174.2 (MANE Select); coding-DNA position 966, C replaced by G.
Protein change: p.Asp322Glu; replaces aspartic acid 322 with glutamic acid.
Molecular consequence: missense variant. On other transcripts: non-coding transcript variant (2).
Genome position (GRCh38, 1-based): chr1:45,331,797, G>C on the plus strand (C>G on the coding strand, the complement: MUTYH is on the minus strand). VCF-style: chr1-45331797-G-C. GRCh37 (hg19) VCF-style: chr1-45797469-G-C.
Other names: c.927C>G, p.Asp309Glu (NM_001407079.1); c.924C>G, p.Asp308Glu (NM_001407080.1); c.966C>G, p.Asp322Glu (NM_001407081.1, NM_001407088.1, NM_001407089.1 and 6 more transcripts); c.621C>G, p.Asp207Glu (NM_001407082.1, NM_001350650.2, NM_001350651.2); c.1008C>G, p.Asp336Glu (NM_001407083.1, NM_001407085.1); c.969C>G, p.Asp323Glu (NM_001407086.1, NM_001048172.2, NM_001407071.1 and 1 more transcripts); c.987C>G, p.Asp329Glu (NM_001407087.1); c.1050C>G, p.Asp350Glu (NM_001128425.2); and 5 more; short protein forms D308E, D230E, D309E, D337E, D350E, D207E, D294E, D322E.
Identifiers: ClinVar variation 2111333 (VCV002111333.5), dbSNP rs772199096, ClinGen allele CA340133753.

ClinVar aggregate classification (germline): Uncertain significance. Review status: criteria provided, multiple submitters, no conflicts (2 of 4 stars). 2 submissions from 2 submitters: Uncertain significance (2). Last evaluated 2025-08-27.

Conditions:
Hereditary cancer-predisposing syndrome. Also called: Neoplastic Syndromes, Hereditary; Tumor predisposition; Hereditary Cancer Syndrome; Hereditary neoplastic syndrome. Identifiers: Orphanet 140162, MedGen C0027672, MeSH D009386, MONDO:0015356.
Familial adenomatous polyposis 2. Also called: MUTYH Polyposis; COLORECTAL ADENOMATOUS POLYPOSIS, AUTOSOMAL RECESSIVE; ADENOMAS, MULTIPLE COLORECTAL, AUTOSOMAL RECESSIVE; MUTYH-associated polyposis; MYH-associated polyposis; MUTYH-related attenuated familial adenomatous polyposis. Identifiers: Orphanet 220460, Orphanet 247798, MedGen C3272841, MONDO:0012041, OMIM 608456.

Submissions (2):

Ambry Genetics
Classification: Uncertain significance for Hereditary cancer-predisposing syndrome. Last evaluated: 2025-08-27. Review status: criteria provided, single submitter. Criteria: Ambry Variant Classification Scheme 2023. Collection method: clinical testing. Allele origin: germline.
Comment: The p.D350E variant (also known as c.1050C>G), located in coding exon 12 of the MUTYH gene, results from a C to G substitution at nucleotide position 1050. The aspartic acid at codon 350 is replaced by glutamic acid, an amino acid with highly similar properties. This amino acid position is conserved. In addition, this alteration is predicted to be tolerated by in silico analysis. Based on the available evidence, the clinical significance of this variant remains unclear.

Labcorp Genetics (formerly Invitae), Labcorp
Classification: Uncertain significance for Familial adenomatous polyposis 2. Last evaluated: 2022-03-13. Review status: criteria provided, single submitter. Criteria: Invitae Variant Classification Sherloc (09022015). Collection method: clinical testing. Allele origin: germline.
Comment: This sequence change replaces aspartic acid, which is acidic and polar, with glutamic acid, which is acidic and polar, at codon 350 of the MUTYH protein (p.Asp350Glu). Algorithms developed to predict the effect of missense changes on protein structure and function (SIFT, PolyPhen-2, Align-GVGD) all suggest that this variant is likely to be tolerated. This variant has not been reported in the literature in individuals affected with MUTYH-related conditions. This variant is not present in population databases (gnomAD no frequency). In summary, the available evidence is currently insufficient to determine the role of this variant in disease. Therefore, it has been classified as a Variant of Uncertain Significance.